The following is an entry in ClinVar:

NM_001177316.2(SLC34A3):c.560+35C>G

Gene: SLC34A3 (solute carrier family 34 member 3; plus strand). Cytogenetic location: 9q34.3.
Variant type: single nucleotide variant.
Coding change: c.560+35C>G on transcript NM_001177316.2 (MANE Select); 35 bases into the intron after coding-DNA position 560, C replaced by G.
Molecular consequence: intron variant.
Genome position (GRCh38, 1-based): chr9:137,233,150, C>G. VCF-style: chr9-137233150-C-G. GRCh37 (hg19) VCF-style: chr9-140127602-C-G.
Other names: c.560+35C>G (NM_001177317.2, NM_080877.3).
Identifiers: ClinVar variation 4983540 (VCV004983540.1).

ClinVar aggregate classification (germline): Likely benign (1 of 4 stars; one submission).

Conditions:
SLC34A3-related disorder. Also called: SLC34A3-related condition.

Submission:

PreventionGenetics, part of Exact Sciences
Classification: Likely benign for SLC34A3-related condition. Last evaluated: 2024-10-25. Review status: criteria provided, single submitter. Criteria: ACMG Guidelines, 2015. Collection method: clinical testing. Allele origin: germline.
Comment: This variant is classified as likely benign based on ACMG/AMP sequence variant interpretation guidelines (Richards et al. 2015 PMID: 25741868, with internal and published modifications).